The following is an entry in ClinVar:

NM_001130987.2(DYSF):c.5188C>T (p.Gln1730Ter)

Gene: DYSF (dysferlin; plus strand). Cytogenetic location: 2p13.2.
Variant type: single nucleotide variant.
Coding change: c.5188C>T on transcript NM_001130987.2 (MANE Select); coding-DNA position 5188, C replaced by T.
Protein change: p.Gln1730Ter; replaces glutamine 1730 with a stop codon.
Molecular consequence: nonsense.
Genome position (GRCh38, 1-based): chr2:71,665,175, C>T. VCF-style: chr2-71665175-C-T. GRCh37 (hg19) VCF-style: chr2-71892305-C-T.
Other names: c.5074C>T, p.Gln1692Ter (NM_001130455.2); c.5029C>T, p.Gln1677Ter (NM_001130976.2); c.5092C>T, p.Gln1698Ter (NM_001130977.2); c.5134C>T, p.Gln1712Ter (NM_001130978.2); c.5164C>T, p.Gln1722Ter (NM_001130979.2); c.5122C>T, p.Gln1708Ter (NM_001130980.2); c.5185C>T, p.Gln1729Ter (NM_001130981.2); c.5167C>T, p.Gln1723Ter (NM_001130982.2); and 5 more; short protein forms Q1678*, Q1698*, Q1699*, Q1692*, Q1709*, Q1730*, Q1677*, Q1691*.
Identifiers: ClinVar variation 1389207 (VCV001389207.9), dbSNP rs1476505138, ClinGen allele CA347220924.

ClinVar aggregate classification (germline): Pathogenic/Likely pathogenic. Review status: criteria provided, multiple submitters, no conflicts (2 of 4 stars). 3 submissions from 3 submitters: Pathogenic (1); Likely pathogenic (2). Last evaluated 2025-06-02.

Conditions:
Neuromuscular disease caused by qualitative or quantitative defects of dysferlin. Also called: Qualitative or quantitative defects of dysferlin; Dysferlinopathy. Identifiers: Orphanet 207073, MedGen C2931687, MONDO:0016145.
Miyoshi muscular dystrophy 1 (MMD1). Identifiers: Orphanet 45448, MedGen C4551973, MONDO:0024545, OMIM 254130.
Distal myopathy with anterior tibial onset. Identifiers: Orphanet 178400, MedGen C1847532, MONDO:0011721, OMIM 606768.
Autosomal recessive limb-girdle muscular dystrophy type 2B (LGMDR2). Also called: Limb-Girdle Muscular Dystrophy Type 2B (LGMD2B); MUSCULAR DYSTROPHY, LIMB-GIRDLE, TYPE 3; Limb-girdle muscular dystrophy, type 2B; MUSCULAR DYSTROPHY, LIMB-GIRDLE, AUTOSOMAL RECESSIVE 2. Identifiers: Orphanet 268, MedGen C1850889, MONDO:0009676, OMIM 253601.

Allele frequency attached by ClinVar (database versions not stated): gnomAD 0.00001; TOPMed 0.00001.
gnomAD v4.1: 2 of 1,613,654 alleles (0.00012%); highest among the groups gnomAD compares: African/African-American, 0.0027%; no homozygotes.

Submissions (3):

Revvity Omics, Revvity
Classification: Likely pathogenic. Last evaluated: 2025-06-02. Review status: criteria provided, single submitter. Criteria: ACMG Guidelines, 2015. Collection method: clinical testing. Allele origin: germline.

Fulgent Genetics
Classification: Likely pathogenic for Autosomal recessive limb-girdle muscular dystrophy type 2B; Miyoshi muscular dystrophy 1; Distal myopathy with anterior tibial onset. Last evaluated: 2024-04-22. Review status: criteria provided, single submitter. Criteria: ACMG Guidelines, 2015. Collection method: clinical testing. Allele origin: germline.

Labcorp Genetics (formerly Invitae), Labcorp
Classification: Pathogenic for Neuromuscular disease caused by qualitative or quantitative defects of dysferlin. Last evaluated: 2021-02-20. Review status: criteria provided, single submitter. Criteria: Invitae Variant Classification Sherloc (09022015). Collection method: clinical testing. Allele origin: germline.
Comment: For these reasons, this variant has been classified as Pathogenic. This sequence change creates a premature translational stop signal (p.Gln1691*) in the DYSF gene. It is expected to result in an absent or disrupted protein product. Loss-of-function variants in DYSF are known to be pathogenic (PMID: 17698709, 20301480). This variant is not present in population databases (ExAC no frequency). This variant has not been reported in the literature in individuals with DYSF-related conditions.

Literature cited by the submitters: PubMed 17698709 (cited by Labcorp Genetics (formerly Invitae), Labcorp); PubMed 20301480 (cited by Labcorp Genetics (formerly Invitae), Labcorp).